The following is an entry in ClinVar:

NM_003489.4(NRIP1):c.861G>A (p.Thr287=)

Gene: NRIP1 (nuclear receptor interacting protein 1; minus strand). Cytogenetic location: 21q11.2.
Variant type: single nucleotide variant.
Coding change: c.861G>A on transcript NM_003489.4 (MANE Select); coding-DNA position 861, G replaced by A.
Protein change: p.Thr287=; no amino-acid change (threonine 287 retained).
Molecular consequence: synonymous variant.
Genome position (GRCh38, 1-based): chr21:14,967,332, C>T on the plus strand (G>A on the coding strand, the complement: NRIP1 is on the minus strand). VCF-style: chr21-14967332-C-T. GRCh37 (hg19) VCF-style: chr21-16339653-C-T.
Identifiers: ClinVar variation 3047205 (VCV003047205.2), dbSNP rs768366141, ClinGen allele CA9981431.

ClinVar aggregate classification (germline): Likely benign (0 of 4 stars; one submission).

Conditions:
NRIP1-related disorder. Also called: NRIP1-related condition.

Allele frequency attached by ClinVar (database versions not stated): TOPMed 0.00008; ExAC 0.00013.
gnomAD v4.1: 146 of 1,613,944 alleles (0.009%); highest among the groups gnomAD compares: Middle Eastern, 0.066%; no homozygotes.

Submission:

PreventionGenetics, part of Exact Sciences
Classification: Likely benign for NRIP1-related condition. Last evaluated: 2024-07-26. Review status: no assertion criteria provided. Collection method: clinical testing. Allele origin: germline.
Comment: This variant is classified as likely benign based on ACMG/AMP sequence variant interpretation guidelines (Richards et al. 2015 PMID: 25741868, with internal and published modifications).